The following is an entry in ClinVar:

ClinVar aggregate classification (germline): Uncertain significance (1 of 4 stars; one submission).

Conditions:
Adams-Oliver syndrome 5 (AOS5). Identifiers: Orphanet 974, MedGen C4014970, MONDO:0014459, OMIM 616028.

gnomAD v4.1: 1 of 1,612,248 alleles (0.000062%); no homozygotes.

Submission:

Labcorp Genetics (formerly Invitae), Labcorp
Classification: Uncertain significance for Adams-Oliver syndrome 5. Last evaluated: 2022-06-27. Review status: criteria provided, single submitter. Criteria: Invitae Variant Classification Sherloc (09022015). Collection method: clinical testing. Allele origin: germline.
Comment: In summary, the available evidence is currently insufficient to determine the role of this variant in disease. Therefore, it has been classified as a Variant of Uncertain Significance. Advanced modeling of protein sequence and biophysical properties (such as structural, functional, and spatial information, amino acid conservation, physicochemical variation, residue mobility, and thermodynamic stability) performed at Invitae indicates that this missense variant is not expected to disrupt NOTCH1 protein function. This variant has not been reported in the literature in individuals affected with NOTCH1-related conditions. This variant is not present in population databases (gnomAD no frequency). This sequence change replaces serine, which is neutral and polar, with phenylalanine, which is neutral and non-polar, at codon 1757 of the NOTCH1 protein (p.Ser1757Phe).

NM_017617.5(NOTCH1):c.5270C>T (p.Ser1757Phe)

Gene: NOTCH1 (notch receptor 1; minus strand). Cytogenetic location: 9q34.3.
Variant type: single nucleotide variant.
Coding change: c.5270C>T on transcript NM_017617.5 (MANE Select); coding-DNA position 5270, C replaced by T.
Protein change: p.Ser1757Phe; replaces serine 1757 with phenylalanine.
Molecular consequence: missense variant.
Genome position (GRCh38, 1-based): chr9:136,502,386, G>A on the plus strand (C>T on the coding strand, the complement: NOTCH1 is on the minus strand). VCF-style: chr9-136502386-G-A. GRCh37 (hg19) VCF-style: chr9-139396838-G-A.
Other names: short protein forms S1757F.
Identifiers: ClinVar variation 1476529 (VCV001476529.6), dbSNP rs1843012177, ClinGen allele CA375640781.